The following is an entry in ClinVar:

NM_006949.4(STXBP2):c.430-14C>G

Gene: STXBP2 (syntaxin binding protein 2; plus strand). Cytogenetic location: 19p13.2.
Variant type: single nucleotide variant.
Coding change: c.430-14C>G on transcript NM_006949.4 (MANE Select); 14 bases into the intron before coding-DNA position 430, C replaced by G.
Molecular consequence: intron variant.
Genome position (GRCh38, 1-based): chr19:7,641,691, C>G. VCF-style: chr19-7641691-C-G. GRCh37 (hg19) VCF-style: chr19-7706577-C-G.
Other names: c.463-14C>G (NM_001272034.2); c.421-14C>G (NM_001127396.3).
Identifiers: ClinVar variation 2063560 (VCV002063560.1), dbSNP rs1323902482, ClinGen allele CA631702286.
Genomic context (GRCh38, chr19:7,641,691, plus strand): 5'-TGGCGGCAGCGGGAAGCGGGGCAGGTGTGCACCTGCAGCGGCAACCCTGGTGCTTCTGTC[C>G]CCTCCTCGCCCAGGTGTTCTCCCTCGATGCTCCCCACAGCACCTACAACCTCTACTGCCC-3'

ClinVar aggregate classification (germline): Uncertain significance (1 of 4 stars; one submission).

Conditions:
Familial hemophagocytic lymphohistiocytosis 5. Also called: STXBP2-Related Familial Hemophagocytic Lymphohistiocytosis (STXBP2-fHLH). Identifiers: Orphanet 540, MedGen C2751293, MONDO:0013135, OMIM 613101.

gnomAD v4.1: 4 of 1,551,612 alleles (0.00026%); highest among the groups gnomAD compares: East Asian, 0.0073%; no homozygotes.

Submission:

Labcorp Genetics (formerly Invitae), Labcorp
Classification: Uncertain significance for Familial hemophagocytic lymphohistiocytosis 5. Last evaluated: 2022-05-08. Review status: criteria provided, single submitter. Criteria: Invitae Variant Classification Sherloc (09022015). Collection method: clinical testing. Allele origin: germline.
Comment: This sequence change falls in intron 6 of the STXBP2 gene. It does not directly change the encoded amino acid sequence of the STXBP2 protein. This variant is present in population databases (no rsID available, gnomAD 0.04%). This variant has not been reported in the literature in individuals affected with STXBP2-related conditions. Algorithms developed to predict the effect of sequence changes on RNA splicing suggest that this variant may create or strengthen a splice site. In summary, the available evidence is currently insufficient to determine the role of this variant in disease. Therefore, it has been classified as a Variant of Uncertain Significance.